The following is an entry in ClinVar:

NM_004974.4(KCNA2):c.246C>T (p.Arg82=)

Gene: KCNA2 (potassium voltage-gated channel subfamily A member 2; minus strand). Cytogenetic location: 1p13.3.
Variant type: single nucleotide variant.
Coding change: c.246C>T on transcript NM_004974.4 (MANE Select); coding-DNA position 246, C replaced by T.
Protein change: p.Arg82=; no amino-acid change (arginine 82 retained).
Molecular consequence: synonymous variant.
Genome position (GRCh38, 1-based): chr1:110,604,537, G>A on the plus strand (C>T on the coding strand, the complement: KCNA2 is on the minus strand). VCF-style: chr1-110604537-G-A. GRCh37 (hg19) VCF-style: chr1-111147159-G-A.
Other names: c.246C>T, p.Arg82= (NM_001204269.2).
Identifiers: ClinVar variation 2989885 (VCV002989885.5), dbSNP rs778231995, ClinGen allele CA1000743.

ClinVar aggregate classification (germline): Likely benign. Review status: criteria provided, multiple submitters, no conflicts (2 of 4 stars). 2 submissions from 2 submitters: Likely benign (2). Last evaluated 2026-06-01.

Conditions:
Developmental and epileptic encephalopathy, 32 (DEE32). Also called: Epileptic encephalopathy, early infantile, 32. Identifiers: Orphanet 442835, MedGen C4225350, MONDO:0014607, OMIM 616366.

Allele frequency attached by ClinVar (database versions not stated): ExAC 0.00001; gnomAD 0.00001; TOPMed 0.00001; gnomAD exomes 0.00002.
gnomAD v4.1: 28 of 1,614,114 alleles (0.0017%); highest among the groups gnomAD compares: Non-Finnish European, 0.002%; no homozygotes.

Submissions (2):

CeGaT Center for Human Genetics Tuebingen
Classification: Likely benign. Last evaluated: 2026-06-01. Review status: criteria provided, single submitter. Criteria: CeGaT Center For Human Genetics Tuebingen Variant Classification Criteria Version 2. Collection method: clinical testing. Allele origin: germline. Affected: yes. Observed: 1 variant allele.
Comment: KCNA2: BP4, BP7

Labcorp Genetics (formerly Invitae), Labcorp
Classification: Likely benign for Developmental and epileptic encephalopathy, 32. Last evaluated: 2024-12-24. Review status: criteria provided, single submitter. Criteria: Invitae Variant Classification Sherloc (09022015). Collection method: clinical testing. Allele origin: germline.